The following is an entry in ClinVar:

ClinVar aggregate classification (germline): Likely benign (1 of 4 stars; one submission).

Conditions:
Atypical hemolytic-uremic syndrome. Identifiers: Orphanet 2134, MedGen C2931788, MONDO:0016244.
Basal laminar drusen. Also called: DRUSEN OF BRUCH MEMBRANE; DRUSEN, CUTICULAR; DRUSEN, EARLY ADULT-ONSET, GROUPED. Identifiers: Orphanet 75376, MedGen C0730295, MONDO:0007472, OMIM 126700.
Factor H deficiency (CFHD). Also called: COMPLEMENT FACTOR H DEFICIENCY; CFH DEFICIENCY. Identifiers: Orphanet 200421, MedGen C0398777, MONDO:0012350, OMIM 609814.
Age related macular degeneration 4. Identifiers: MedGen C1853147, MONDO:0012540, OMIM 610698.

Submission:

Genomenon, Inc
Classification: Likely benign for Basal laminar drusen; Age related macular degeneration 4; Atypical hemolytic-uremic syndrome; Factor H deficiency. Last evaluated: 2025-10-02. Review status: criteria provided, single submitter. Criteria: Genomenon Sequence Variant Interpretation Standards - Updated. Collection method: curation. Allele origin: germline. Affected: no.
Comment: CFH p.Thr547= (c.1641C>T) is a synonymous variant that retains Threonine at residue 547. This variant has been reported in the published literature (PMID:36211394). This synonymous variant is not predicted to impact splicing. It is absent or not present at a significant frequency in gnomAD. In conclusion, we classify CFH p.Thr547= (c.1641C>T) as a likely benign variant.

Literature cited by the submitters: PubMed 36211394.

NM_000186.4(CFH):c.1641C>T (p.Thr547=)

Gene: CFH (complement factor H; plus strand). Cytogenetic location: 1q31.3.
Variant type: single nucleotide variant.
Coding change: c.1641C>T on transcript NM_000186.4 (MANE Select); coding-DNA position 1641, C replaced by T.
Protein change: p.Thr547=; no amino-acid change (threonine 547 retained).
Molecular consequence: synonymous variant.
Genome position (GRCh38, 1-based): chr1:196,715,714, C>T. VCF-style: chr1-196715714-C-T. GRCh37 (hg19) VCF-style: chr1-196684844-C-T.
Identifiers: ClinVar variation 4291404 (VCV004291404.1).